The following is an entry in ClinVar:

ClinVar aggregate classification (germline): Uncertain significance (1 of 4 stars; one submission).

Conditions:
Lafora disease. Also called: Epilepsy progressive myoclonic 2; Progressive Myoclonus Epilepsy, Lafora Type. Identifiers: Orphanet 501, MedGen C0751783, MONDO:0009697.

Allele frequency attached by ClinVar (database versions not stated): ExAC 0.00002; gnomAD exomes 0.00002; gnomAD 0.00003.
gnomAD v4.1: 8 of 1,596,904 alleles (0.0005%); no homozygotes.

Submission:

Labcorp Genetics (formerly Invitae), Labcorp
Classification: Uncertain significance for Lafora disease. Last evaluated: 2024-02-16. Review status: criteria provided, single submitter. Criteria: Invitae Variant Classification Sherloc (09022015). Collection method: clinical testing. Allele origin: germline.
Comment: This sequence change replaces proline, which is neutral and non-polar, with glutamine, which is neutral and polar, at codon 41 of the NHLRC1 protein (p.Pro41Gln). This variant is present in population databases (rs759908693, gnomAD 0.05%). This variant has not been reported in the literature in individuals affected with NHLRC1-related conditions. ClinVar contains an entry for this variant (Variation ID: 1440535). Advanced modeling of protein sequence and biophysical properties (such as structural, functional, and spatial information, amino acid conservation, physicochemical variation, residue mobility, and thermodynamic stability) has been performed at Invitae for this missense variant, however the output from this modeling did not meet the statistical confidence thresholds required to predict the impact of this variant on NHLRC1 protein function. In summary, the available evidence is currently insufficient to determine the role of this variant in disease. Therefore, it has been classified as a Variant of Uncertain Significance.

NM_198586.3(NHLRC1):c.122C>A (p.Pro41Gln)

Gene: NHLRC1 (NHL repeat containing E3 ubiquitin protein ligase 1; minus strand). Cytogenetic location: 6p22.3.
Variant type: single nucleotide variant.
Coding change: c.122C>A on transcript NM_198586.3 (MANE Select); coding-DNA position 122, C replaced by A.
Protein change: p.Pro41Gln; replaces proline 41 with glutamine.
Molecular consequence: missense variant.
Genome position (GRCh38, 1-based): chr6:18,122,485, G>T on the plus strand (C>A on the coding strand, the complement: NHLRC1 is on the minus strand). VCF-style: chr6-18122485-G-T. GRCh37 (hg19) VCF-style: chr6-18122716-G-T.
Other names: short protein forms P41Q.
Identifiers: ClinVar variation 1440535 (VCV001440535.8), dbSNP rs759908693, ClinGen allele CA3650039.